The following is an entry in ClinVar:

NM_001447.3(FAT2):c.1731G>T (p.Trp577Cys)

Gene: FAT2 (FAT atypical cadherin 2; minus strand). Cytogenetic location: 5q33.1.
Variant type: single nucleotide variant.
Coding change: c.1731G>T on transcript NM_001447.3 (MANE Select); coding-DNA position 1731, G replaced by T.
Protein change: p.Trp577Cys; replaces tryptophan 577 with cysteine.
Molecular consequence: missense variant.
Genome position (GRCh38, 1-based): chr5:151,567,201, C>A on the plus strand (G>T on the coding strand, the complement: FAT2 is on the minus strand). VCF-style: chr5-151567201-C-A. GRCh37 (hg19) VCF-style: chr5-150946762-C-A.
Other names: short protein forms W577C.
Identifiers: ClinVar variation 2538891 (VCV002538891.4), dbSNP rs202003550, ClinGen allele CA3522201.

ClinVar aggregate classification (germline): Uncertain significance. Review status: criteria provided, multiple submitters, no conflicts (2 of 4 stars). 2 submissions from 2 submitters: Uncertain significance (2). Last evaluated 2025-12-21.

Allele frequency attached by ClinVar (database versions not stated): TOPMed 0.00002; gnomAD exomes 0.00006; gnomAD 0.00007; 1000 Genomes Project 30x 0.00016; 1000 Genomes Project 0.00020.
gnomAD v4.1: 110 of 1,614,184 alleles (0.0068%); highest among the groups gnomAD compares: South Asian, 0.033%; 1 homozygote.

Submissions (2):

Labcorp Genetics (formerly Invitae), Labcorp
Classification: Uncertain significance. Last evaluated: 2025-12-21. Review status: criteria provided, single submitter. Criteria: Invitae Variant Classification Sherloc (09022015). Collection method: clinical testing. Allele origin: germline.
Comment: This sequence change replaces tryptophan, which is neutral and slightly polar, with cysteine, which is neutral and slightly polar, at codon 577 of the FAT2 protein (p.Trp577Cys). This variant is present in population databases (rs202003550, gnomAD 0.08%), and has an allele count higher than expected for a pathogenic variant. This variant has not been reported in the literature in individuals affected with FAT2-related conditions. ClinVar contains an entry for this variant (Variation ID: 2538891). Invitae Evidence Modeling of protein sequence and biophysical properties (such as structural, functional, and spatial information, amino acid conservation, physicochemical variation, residue mobility, and thermodynamic stability) indicates that this missense variant is expected to disrupt FAT2 protein function with a positive predictive value of 80%. In summary, the available evidence is currently insufficient to determine the role of this variant in disease. Therefore, it has been classified as a Variant of Uncertain Significance.

Ambry Genetics
Classification: Uncertain significance. Last evaluated: 2025-10-29. Review status: criteria provided, single submitter. Criteria: Ambry Variant Classification Scheme 2023. Collection method: clinical testing. Allele origin: germline.